The following is an entry in ClinVar:

NC_012920.1(MT-TQ):m.4350C>T

Gene: MT-TQ (mitochondrially encoded tRNA glutamine; minus strand).
Variant type: single nucleotide variant.
Genome position: chrM-4350-C-T.
Identifiers: ClinVar variation 689890 (VCV000689890.1), dbSNP rs1603219418, ClinGen allele CA913177818.
Genomic context (GRCh38, chrMT:4,350, plus strand): 5'-TTGATAGAGTAAATAATAGGAGCTTAAACCCCCTTATTTCTAGGACTATGAGAATCGAAC[C>T]CATCCCTGAGAATCCAAAATTCTCCGTGCCACCTATCACACCCCATCCTAAAGTAAGGTC-3'

ClinVar aggregate classification (germline): Benign (1 of 4 stars; one submission).

Conditions:
MELAS syndrome (MELAS). Also called: Juvenile myopathy, encephalopathy, lactic acidosis, stroke. Identifiers: Orphanet 550, MedGen C0162671, MONDO:0010789, OMIM 540000.

Submission:

Wong Mito Lab, Molecular and Human Genetics, Baylor College of Medicine
Classification: Benign for MELAS syndrome. Last evaluated: 2019-07-12. Review status: criteria provided, single submitter. Criteria: Modified ACMG Guidelines (Unpublished). Collection method: clinical testing. Allele origin: germline.
Comment: The NC_012920.1:m.4350C>T variant in MT-TQ gene is interpreted to be a Benign variant based on the modified ACMG guidelines (unpublished). This variant meets the following evidence codes reported in the guidelines: BS1, BS2

Literature cited by the submitters: PubMed 31965079.